The following is an entry in ClinVar:

ClinVar aggregate classification (germline): Uncertain significance (1 of 4 stars; one submission).

Allele frequency attached by ClinVar (database versions not stated): TOPMed below 0.00001; ExAC 0.00001.
gnomAD v4.1: 2 of 1,614,176 alleles (0.00012%); highest among the groups gnomAD compares: Admixed American, 0.0033%; no homozygotes.

Submission:

Labcorp Genetics (formerly Invitae), Labcorp
Classification: Uncertain significance. Last evaluated: 2025-03-05. Review status: criteria provided, single submitter. Criteria: Invitae Variant Classification Sherloc (09022015). Collection method: clinical testing. Allele origin: germline.
Comment: This sequence change replaces glycine, which is neutral and non-polar, with valine, which is neutral and non-polar, at codon 786 of the ARID1A protein (p.Gly786Val). This variant is present in population databases (rs769121528, gnomAD 0.006%). This variant has not been reported in the literature in individuals affected with ARID1A-related conditions. ClinVar contains an entry for this variant (Variation ID: 2907271). Invitae Evidence Modeling of protein sequence and biophysical properties (such as structural, functional, and spatial information, amino acid conservation, physicochemical variation, residue mobility, and thermodynamic stability) indicates that this missense variant is not expected to disrupt ARID1A protein function with a negative predictive value of 80%. In summary, the available evidence is currently insufficient to determine the role of this variant in disease. Therefore, it has been classified as a Variant of Uncertain Significance.

NM_006015.6(ARID1A):c.2357G>T (p.Gly786Val)

Gene: ARID1A (AT-rich interaction domain 1A; plus strand). Cytogenetic location: 1p36.11.
Variant type: single nucleotide variant.
Coding change: c.2357G>T on transcript NM_006015.6 (MANE Select); coding-DNA position 2357, G replaced by T.
Protein change: p.Gly786Val; replaces glycine 786 with valine.
Molecular consequence: missense variant.
Genome position (GRCh38, 1-based): chr1:26,762,257, G>T. VCF-style: chr1-26762257-G-T. GRCh37 (hg19) VCF-style: chr1-27088748-G-T.
Other names: c.2357G>T, p.Gly786Val (NM_139135.4); short protein forms G786V.
Identifiers: ClinVar variation 2907271 (VCV002907271.3), dbSNP rs769121528, ClinGen allele CA706980.